The following is an entry in ClinVar:

NM_006767.4(LZTR1):c.684C>A (p.Cys228Ter)

Gene: LZTR1 (leucine zipper like post translational regulator 1; plus strand). Cytogenetic location: 22q11.21.
Variant type: single nucleotide variant.
Coding change: c.684C>A on transcript NM_006767.4 (MANE Select); coding-DNA position 684, C replaced by A.
Protein change: p.Cys228Ter; replaces cysteine 228 with a stop codon.
Molecular consequence: nonsense.
Genome position (GRCh38, 1-based): chr22:20,990,418, C>A. VCF-style: chr22-20990418-C-A. GRCh37 (hg19) VCF-style: chr22-21344707-C-A.
Other names: short protein forms C228*.
Identifiers: ClinVar variation 1755774 (VCV001755774.7), dbSNP rs1343634751, ClinGen allele CA410780475.

ClinVar aggregate classification (germline): Pathogenic/Likely pathogenic. Review status: criteria provided, multiple submitters, no conflicts (2 of 4 stars). 4 submissions from 4 submitters: Pathogenic (3); Likely pathogenic (1). Last evaluated 2026-01-21.

Conditions:
Cardiovascular phenotype. Identifiers: MedGen CN230736.
Hereditary cancer-predisposing syndrome. Also called: Neoplastic Syndromes, Hereditary; Hereditary neoplastic syndrome; Hereditary Cancer Syndrome; Tumor predisposition. Identifiers: Orphanet 140162, MedGen C0027672, MeSH D009386, MONDO:0015356.
LZTR1-related disorder. Also called: LZTR1-related disorders; LZTR1-related condition.
LZTR1-related schwannomatosis. Also called: Schwannomatosis 2; Schwannomatosis-2, susceptibility to. Identifiers: Orphanet 93921, MedGen C3810283, MONDO:0014299, OMIM 615670.

Allele frequency attached by ClinVar (database versions not stated): gnomAD exomes below 0.00001; gnomAD 0.00001.
gnomAD v4.1: 3 of 1,614,032 alleles (0.00019%); highest among the groups gnomAD compares: African/African-American, 0.0013%; no homozygotes.

Submissions (4):

Labcorp Genetics (formerly Invitae), Labcorp
Classification: Pathogenic. Last evaluated: 2026-01-21. Review status: criteria provided, single submitter. Criteria: Invitae Variant Classification Sherloc (09022015). Collection method: clinical testing. Allele origin: germline.
Comment: This sequence change creates a premature translational stop signal (p.Cys228*) in the LZTR1 gene. It is expected to result in an absent or disrupted protein product. Loss-of-function variants in LZTR1 are known to be pathogenic (PMID: 24362817, 25335493, 25480913, 25795793, 29469822, 30368668, 30442762, 30442766, 30481304, 30859559). This variant is present in population databases (no rsID available, gnomAD 0.0009%). This variant has not been reported in the literature in individuals affected with LZTR1-related conditions. ClinVar contains an entry for this variant (Variation ID: 1755774). For these reasons, this variant has been classified as Pathogenic.

Ambry Genetics
Classification: Pathogenic for Cardiovascular phenotype; Hereditary cancer-predisposing syndrome. Last evaluated: 2025-03-07. Review status: criteria provided, single submitter. Criteria: Ambry Variant Classification Scheme 2023. Collection method: clinical testing. Allele origin: germline.
Comment: The p.C228* pathogenic mutation (also known as c.684C>A), located in coding exon 8 of the LZTR1 gene, results from a C to A substitution at nucleotide position 684. This changes the amino acid from a cysteine to a stop codon within coding exon 8. This variant was not reported in population-based cohorts in the Genome Aggregation Database (gnomAD). This alteration is expected to result in loss of function by premature protein truncation or nonsense-mediated mRNA decay. Loss-of-function variants in LZTR1 are related to an increased risk for schwannomas and autosomal recessive Noonan syndrome; however, such associations with autosomal dominant Noonan syndrome have not been observed (Piotrowski A et al. Nat Genet. 2014 Feb;46:182-7; Yamamoto GL et al. J Med Genet. 2015 Jun;52:413-21; Johnston JJ et al. Genet Med. 2018 10;20:1175-1185). Based on the supporting evidence, this variant is pathogenic for an increased risk of LZTR1-related schwannomatosis (SWN) and would be expected to cause autosomal recessive Noonan syndrome when present along with a second pathogenic or likely pathogenic variant on the other allele; however, the association of this alteration with autosomal dominant Noonan syndrome is unlikely.

PreventionGenetics, part of Exact Sciences
Classification: Pathogenic for LZTR1-related condition. Last evaluated: 2025-01-09. Review status: criteria provided, single submitter. Criteria: ACMG Guidelines, 2015. Collection method: clinical testing. Allele origin: germline.
Comment: The LZTR1 c.684C>A variant is predicted to result in premature protein termination (p.Cys228*). To our knowledge, this variant has not been reported in the literature. This variant is reported in 0.00088% of alleles in individuals of European (Non-Finnish) descent in gnomAD. In ClinVar, this variant has been interpreted as likely pathogenic/pathogenic. Nonsense variants in LZTR1 are expected to be pathogenic. This variant is interpreted as pathogenic for autosomal recessive Noonan syndrome and autosomal dominant susceptibility to schwannomatosis. However, this variant is interpreted as uncertain for autosomal dominant Noonan syndrome.

Baylor Genetics
Classification: Likely pathogenic for LZTR1-related schwannomatosis. Last evaluated: 2022-11-30. Review status: criteria provided, single submitter. Criteria: ACMG Guidelines, 2015. Collection method: clinical testing. Allele origin: unknown.

Literature cited by the submitters: PubMed 24362817 (cited by Labcorp Genetics (formerly Invitae), Labcorp); PubMed 25335493 (cited by Labcorp Genetics (formerly Invitae), Labcorp); PubMed 25480913 (cited by Labcorp Genetics (formerly Invitae), Labcorp); PubMed 25795793 (cited by Labcorp Genetics (formerly Invitae), Labcorp); PubMed 29469822 (cited by Labcorp Genetics (formerly Invitae), Labcorp); PubMed 30368668 (cited by Labcorp Genetics (formerly Invitae), Labcorp); PubMed 30442762 (cited by Labcorp Genetics (formerly Invitae), Labcorp); PubMed 30442766 (cited by Labcorp Genetics (formerly Invitae), Labcorp); PubMed 30481304 (cited by Labcorp Genetics (formerly Invitae), Labcorp); PubMed 30859559 (cited by Labcorp Genetics (formerly Invitae), Labcorp).